The following is an entry in ClinVar:

NM_024809.5(TCTN2):c.1743_1744delinsTT (p.Gln581_Gln582delinsHisTer)

Gene: TCTN2 (tectonic family member 2; plus strand). Cytogenetic location: 12q24.31.
Variant type: Indel.
Coding change: c.1743_1744delinsTT on transcript NM_024809.5 (MANE Select); coding-DNA positions 1743 to 1744, GC replaced by TT.
Protein change: p.Gln581_Gln582delinsHisTer.
Molecular consequence: nonsense.
Genome position (GRCh38, 1-based): chr12:123,704,662-123,704,663, GC replaced by TT. VCF-style: chr12-123704662-GC-TT. GRCh37 (hg19) VCF-style: chr12-124189209-GC-TT.
Other names: c.1608_1609delinsTT, p.Gln536_Gln537delinsHisTer (NM_001410989.1); c.1740_1741delinsTT, p.Gln580_Gln581delinsHisTer (NM_001143850.3).
Identifiers: ClinVar variation 2927469 (VCV002927469.3), dbSNP rs2541806985, ClinGen allele CA2740097623.

ClinVar aggregate classification (germline): Pathogenic (1 of 4 stars; one submission).

Conditions:
Joubert syndrome. Also called: CEREBELLOPARENCHYMAL DISORDER IV; JOUBERT-BOLTSHAUSER SYNDROME; Familial aplasia of the vermis. Identifiers: Orphanet 475, MedGen C5979921, MONDO:0018772.
Meckel-Gruber syndrome. Also called: DYSENCEPHALIA SPLANCHNOCYSTICA; GRUBER SYNDROME; Dysencephalia splachnocystica. Identifiers: Orphanet 564, MedGen C0265215, MONDO:0018921.

Submission:

Labcorp Genetics (formerly Invitae), Labcorp
Classification: Pathogenic for Joubert syndrome; Meckel-Gruber syndrome. Last evaluated: 2023-06-22. Review status: criteria provided, single submitter. Criteria: Invitae Variant Classification Sherloc (09022015). Collection method: clinical testing. Allele origin: germline.
Comment: This sequence change creates a premature translational stop signal (p.Gln581_Gln582delinsHis*) in the TCTN2 gene. It is expected to result in an absent or disrupted protein product. Loss-of-function variants in TCTN2 are known to be pathogenic (PMID: 21565611). Information on the frequency of this variant in the gnomAD database is not available, as this variant may be reported differently in the database. This variant has not been reported in the literature in individuals affected with TCTN2-related conditions. For these reasons, this variant has been classified as Pathogenic.

Literature cited by the submitters: PubMed 21565611.